The following is an entry in ClinVar:

ClinVar aggregate classification (germline): Conflicting classifications of pathogenicity. Review status: criteria provided, conflicting classifications (1 of 4 stars). 8 submissions from 8 submitters: Uncertain significance (4); Likely benign (3). 1 of the submissions does not count toward it. Last evaluated 2025-01-23.

Conditions:
Hereditary breast ovarian cancer syndrome. Also called: Hereditary breast and ovarian cancer syndrome; Hereditary breast and/or ovarian cancer syndrome; Hereditary breast and ovarian cancer; Hereditary breast and ovarian cancer syndrome (HBOC); Breast and ovarian cancer; BRCA1- and BRCA2-Associated Hereditary Breast and Ovarian Cancer. Identifiers: Orphanet 145, MedGen C0677776, MeSH D061325, MONDO:0003582. Disease mechanism: loss of function.
Fanconi anemia complementation group D1. Also called: BRCA2-Related Fanconi Anemia. Identifiers: Orphanet 319462, MedGen C1838457, MONDO:0011584, OMIM 605724.
Familial cancer of breast. Also called: Hereditary breast cancer; hereditary breast carcinoma; BREAST CANCER, FAMILIAL. Identifiers: Orphanet 227535, MedGen C0346153, MONDO:0016419, OMIM 114480. Disease mechanism: loss of function.
Breast-ovarian cancer, familial, susceptibility to, 2 (BROVCA2). Also called: BRCA2 Hereditary Breast and Ovarian Cancer. Identifiers: Orphanet 145, MedGen C2675520, MONDO:0012933, OMIM 612555. Disease mechanism: loss of function.
Wilms tumor 1 (WT1). Also called: Wilms tumor, somatic. Identifiers: Orphanet 654, MedGen CN033288, MONDO:0008679, OMIM 194070.
Pancreatic cancer, susceptibility to, 2. Identifiers: Orphanet 1333, MedGen C3150546, MONDO:0013235, OMIM 613347.
Glioma susceptibility 3 (GLM3). Also called: Glioblastoma 3. Identifiers: Orphanet 182067, Orphanet 360, MedGen C2751641, MONDO:0013093, OMIM 613029.
Medulloblastoma (MDB). Also called: MEDULLOBLASTOMA PREDISPOSITION SYNDROME; Medulloblastoma, somatic. Identifiers: Orphanet 616, MedGen C0025149, MeSH D008527, MONDO:0007959, OMIM 155255, HP:0002885.
Familial prostate cancer. Also called: Hereditary Prostate Cancer. Identifiers: MedGen C2931456, MONDO:0700275, OMIM 176807.
Hereditary cancer-predisposing syndrome. Also called: Tumor predisposition; Hereditary neoplastic syndrome; Neoplastic Syndromes, Hereditary; Hereditary Cancer Syndrome. Identifiers: Orphanet 140162, MedGen C0027672, MeSH D009386, MONDO:0015356.

Allele frequency attached by ClinVar (database versions not stated): TOPMed 0.00002.
gnomAD v4.1: 2 of 1,613,332 alleles (0.00012%); highest among the groups gnomAD compares: Non-Finnish European, 0.000085%; no homozygotes.

Submissions (8):

Quest Diagnostics Nichols Institute San Juan Capistrano
Classification: Uncertain significance. Last evaluated: 2025-01-23. Review status: criteria provided, single submitter. Criteria: Quest Diagnostics criteria. Collection method: clinical testing. Allele origin: unknown.
Comment: The BRCA2 c.2399G>A (p.Gly800Asp) variant has been reported to be located in a region of the BRCA2 gene that is tolerant to missense sequence changes in the published literature (PMID: 31911673 (2020)). In a large scale breast cancer association study, this variant has been observed in one breast cancer case but not in the cohort of reportedly healthy individuals (PMID: 33471991 (2021), see also LOVD). This variant has not been reported in large, multi-ethnic general populations (Genome Aggregation Database). Analysis of this variant using bioinformatics tools for the prediction of the effect of amino acid changes on protein structure and function yielded predictions that this variant is benign. Based on the available information, we are unable to determine the clinical significance of this variant.

Fulgent Genetics
Classification: Uncertain significance for Familial cancer of breast; Medulloblastoma; Familial prostate cancer; Wilms tumor 1; Fanconi anemia complementation group D1; Breast-ovarian cancer, familial, susceptibility to, 2; Glioma susceptibility 3; Pancreatic cancer, susceptibility to, 2. Last evaluated: 2024-05-15. Review status: criteria provided, single submitter. Criteria: ACMG Guidelines, 2015. Collection method: clinical testing. Allele origin: germline.

Labcorp Genetics (formerly Invitae), Labcorp
Classification: Uncertain significance for Hereditary breast ovarian cancer syndrome. Last evaluated: 2023-03-26. Review status: criteria provided, single submitter. Criteria: Invitae Variant Classification Sherloc (09022015). Collection method: clinical testing. Allele origin: germline.
Comment: ClinVar contains an entry for this variant (Variation ID: 522201). In summary, the available evidence is currently insufficient to determine the role of this variant in disease. Therefore, it has been classified as a Variant of Uncertain Significance. Advanced modeling of protein sequence and biophysical properties (such as structural, functional, and spatial information, amino acid conservation, physicochemical variation, residue mobility, and thermodynamic stability) performed at Invitae indicates that this missense variant is not expected to disrupt BRCA2 protein function. This missense change has been observed in individual(s) with clinical features of BRCA2-related conditions (PMID: 21520333). This variant is not present in population databases (gnomAD no frequency). This sequence change replaces glycine, which is neutral and non-polar, with aspartic acid, which is acidic and polar, at codon 800 of the BRCA2 protein (p.Gly800Asp).

University of Washington Department of Laboratory Medicine, University of Washington
Classification: Likely benign for Hereditary cancer-predisposing syndrome. Last evaluated: 2023-03-23. Review status: criteria provided, single submitter. Criteria: Dines et al. (Genet Med. 2020). Collection method: curation. Allele origin: germline.
Comment: Missense variant in a coldspot region where missense variants are very unlikely to be pathogenic (PMID:31911673).

BRCA2 exon 11 coldspot. Reclassification based on statistical prior probability.

Ambry Genetics
Classification: Uncertain significance for Hereditary cancer-predisposing syndrome. Last evaluated: 2023-03-13. Review status: criteria provided, single submitter. Criteria: Ambry Variant Classification Scheme 2023. Collection method: clinical testing. Allele origin: germline.
Comment: The p.G800D variant (also known as c.2399G>A), located in coding exon 10 of the BRCA2 gene, results from a G to A substitution at nucleotide position 2399. The glycine at codon 800 is replaced by aspartic acid, an amino acid with similar properties. This amino acid position is poorly conserved in available vertebrate species. In addition, this alteration is predicted to be tolerated by in silico analysis. Since supporting evidence is limited at this time, the clinical significance of this alteration remains unclear.

Genome Diagnostics Laboratory, University Medical Center Utrecht
Classification: Likely benign for Breast-ovarian cancer, familial, susceptibility to, 2. Last evaluated: 2017-07-28. Review status: criteria provided, single submitter. Criteria: ACGS Guidelines, 2013. Collection method: clinical testing. Allele origin: germline. Affected: yes. Study: VKGL Data-share Consensus.

Clinical Genetics DNA and cytogenetics Diagnostics Lab, Erasmus MC, Erasmus Medical Center
Classification: Likely benign for Breast-ovarian cancer, familial, susceptibility to, 2. Last evaluated: 2015-09-21. Review status: criteria provided, single submitter. Criteria: ACGS Guidelines, 2013. Collection method: clinical testing. Allele origin: germline. Affected: yes. Study: VKGL Data-share Consensus.

Clinical Genetics Laboratory, Department of Pathology, Netherlands Cancer Institute
Classification: Likely benign. Review status: no assertion criteria provided. Collection method: clinical testing. Allele origin: germline. Affected: yes. Study: VKGL Data-share Consensus. Not counted in ClinVar's aggregate classification.

Literature cited by the submitters: PubMed 33471991 (cited by Quest Diagnostics Nichols Institute San Juan Capistrano); PubMed 31911673 (cited by Quest Diagnostics Nichols Institute San Juan Capistrano); PubMed 21520333 (cited by Labcorp Genetics (formerly Invitae), Labcorp).

NM_000059.4(BRCA2):c.2399G>A (p.Gly800Asp)

Gene: BRCA2 (BRCA2 DNA repair associated; plus strand). Cytogenetic location: 13q13.1.
Variant type: single nucleotide variant.
Coding change: c.2399G>A on transcript NM_000059.4 (MANE Select); coding-DNA position 2399, G replaced by A.
Protein change: p.Gly800Asp; replaces glycine 800 with aspartic acid.
Molecular consequence: missense variant.
Genome position (GRCh38, 1-based): chr13:32,336,754, G>A. VCF-style: chr13-32336754-G-A. GRCh37 (hg19) VCF-style: chr13-32910891-G-A.
Other names: short protein forms G800D.
Identifiers: ClinVar variation 522201 (VCV000522201.17), dbSNP rs276174821, ClinGen allele CA387771962.